The following is an entry in ClinVar:

NM_015512.5(DNAH1):c.2995C>T (p.Arg999Cys)

Gene: DNAH1 (dynein axonemal heavy chain 1; plus strand). Cytogenetic location: 3p21.1.
Variant type: single nucleotide variant.
Coding change: c.2995C>T on transcript NM_015512.5 (MANE Select); coding-DNA position 2995, C replaced by T.
Protein change: p.Arg999Cys; replaces arginine 999 with cysteine.
Molecular consequence: missense variant.
Genome position (GRCh38, 1-based): chr3:52,352,675, C>T. VCF-style: chr3-52352675-C-T. GRCh37 (hg19) VCF-style: chr3-52386691-C-T.
Other names: c.2995C>T (NM_015512.4); short protein forms R999C.
Identifiers: ClinVar variation 2047470 (VCV002047470.3), dbSNP rs759263600, ClinGen allele CA2433448.

ClinVar aggregate classification (germline): Uncertain significance. Review status: criteria provided, multiple submitters, no conflicts (2 of 4 stars). 2 submissions from 2 submitters: Uncertain significance (2). Last evaluated 2023-12-14.

Conditions:
Ciliary dyskinesia, primary, 37 (CILD37). Also called: CILIARY DYSKINESIA, PRIMARY, 37, WITH OR WITHOUT SITUS INVERSUS. Identifiers: MedGen C4539798, MONDO:0033204, OMIM 617577.
Spermatogenic failure 18. Identifiers: MedGen C4539783, MONDO:0054615, OMIM 617576.

Allele frequency attached by ClinVar (database versions not stated): gnomAD 0.00001; gnomAD exomes 0.00001; ExAC 0.00002.
gnomAD v4.1: 23 of 1,612,880 alleles (0.0014%); highest among the groups gnomAD compares: South Asian, 0.0088%; no homozygotes.

Submissions (2):

GeneDx
Classification: Uncertain significance. Last evaluated: 2023-12-14. Review status: criteria provided, single submitter. Criteria: GeneDx Variant Classification Process June 2021. Collection method: clinical testing. Allele origin: germline. Affected: yes.
Comment: In silico analysis supports that this missense variant has a deleterious effect on protein structure/function; This variant is associated with the following publications: (PMID: 37998386)

Labcorp Genetics (formerly Invitae), Labcorp
Classification: Uncertain significance for Ciliary dyskinesia, primary, 37; Spermatogenic failure 18. Last evaluated: 2022-05-06. Review status: criteria provided, single submitter. Criteria: Invitae Variant Classification Sherloc (09022015). Collection method: clinical testing. Allele origin: germline.
Comment: This variant has not been reported in the literature in individuals affected with DNAH1-related conditions. This sequence change replaces arginine, which is basic and polar, with cysteine, which is neutral and slightly polar, at codon 999 of the DNAH1 protein (p.Arg999Cys). This variant is present in population databases (rs759263600, gnomAD 0.004%). Algorithms developed to predict the effect of missense changes on protein structure and function (SIFT, PolyPhen-2, Align-GVGD) all suggest that this variant is likely to be disruptive. In summary, the available evidence is currently insufficient to determine the role of this variant in disease. Therefore, it has been classified as a Variant of Uncertain Significance.